The following is an entry in ClinVar:

ClinVar aggregate classification (germline): Uncertain significance (1 of 4 stars; one submission).

Conditions:
Infantile neuroaxonal dystrophy (NBIA2A). Also called: NEURODEGENERATION WITH BRAIN IRON ACCUMULATION 2A; SEITELBERGER DISEASE; Infantile neuroaxonal dystrophy 1. Identifiers: Orphanet 35069, MedGen C0270724, MONDO:0024457, OMIM 256600.

Submission:

Labcorp Genetics (formerly Invitae), Labcorp
Classification: Uncertain significance for Infantile neuroaxonal dystrophy. Last evaluated: 2021-12-02. Review status: criteria provided, single submitter. Criteria: Invitae Variant Classification Sherloc (09022015). Collection method: clinical testing. Allele origin: germline.
Comment: This sequence change replaces serine, which is neutral and polar, with glycine, which is neutral and non-polar, at codon 138 of the PLA2G6 protein (p.Ser138Gly). This variant is not present in population databases (gnomAD no frequency). This variant has not been reported in the literature in individuals affected with PLA2G6-related conditions. Advanced modeling of protein sequence and biophysical properties (such as structural, functional, and spatial information, amino acid conservation, physicochemical variation, residue mobility, and thermodynamic stability) performed at Invitae indicates that this missense variant is not expected to disrupt PLA2G6 protein function. In summary, the available evidence is currently insufficient to determine the role of this variant in disease. Therefore, it has been classified as a Variant of Uncertain Significance.

NM_003560.4(PLA2G6):c.412A>G (p.Ser138Gly)

Gene: PLA2G6 (phospholipase A2 group VI; minus strand). Cytogenetic location: 22q13.1.
Variant type: single nucleotide variant.
Coding change: c.412A>G on transcript NM_003560.4 (MANE Select); coding-DNA position 412, A replaced by G.
Protein change: p.Ser138Gly; replaces serine 138 with glycine.
Molecular consequence: missense variant. On other transcripts: 5 prime UTR variant (3).
Genome position (GRCh38, 1-based): chr22:38,145,451, T>C on the plus strand (A>G on the coding strand, the complement: PLA2G6 is on the minus strand). VCF-style: chr22-38145451-T-C. GRCh37 (hg19) VCF-style: chr22-38541458-T-C.
Other names: c.412A>G, p.Ser138Gly (NM_001004426.3, NM_001199562.3, NM_001349864.2 and 2 more transcripts); c.-123A>G (NM_001349867.2, NM_001349869.2); c.-79A>G (NM_001349868.2); short protein forms S138G.
Identifiers: ClinVar variation 1505141 (VCV001505141.6), dbSNP rs1350282681, ClinGen allele CA411532101.